The following is an entry in ClinVar:

ClinVar aggregate classification (germline): Conflicting classifications of pathogenicity. Review status: criteria provided, conflicting classifications (1 of 4 stars). 3 submissions from 3 submitters: Uncertain significance (1); Likely benign (2). Last evaluated 2025-09-04.

Conditions:
SZT2-related disorder. Also called: SZT2-related condition.
Inborn genetic diseases. Identifiers: MedGen C0950123, MeSH D030342.

Allele frequency attached by ClinVar (database versions not stated): TOPMed 0.00001.
gnomAD v4.1: 3 of 1,613,918 alleles (0.00019%); highest among the groups gnomAD compares: Admixed American, 0.005%; no homozygotes.

Submissions (3):

PreventionGenetics, part of Exact Sciences
Classification: Likely benign for SZT2-related condition. Last evaluated: 2025-09-04. Review status: criteria provided, single submitter. Criteria: ACMG Guidelines, 2015. Collection method: clinical testing. Allele origin: germline.
Comment: This variant is classified as likely benign based on ACMG/AMP sequence variant interpretation guidelines (Richards et al. 2015 PMID: 25741868, with internal and published modifications).

Labcorp Genetics (formerly Invitae), Labcorp
Classification: Likely benign. Last evaluated: 2024-04-16. Review status: criteria provided, single submitter. Criteria: Invitae Variant Classification Sherloc (09022015). Collection method: clinical testing. Allele origin: germline.

Ambry Genetics
Classification: Uncertain significance for Inborn genetic diseases. Last evaluated: 2018-02-02. Review status: criteria provided, single submitter. Criteria: Ambry Variant Classification Scheme 2023. Collection method: clinical testing. Allele origin: germline.
Comment: The c.6622-4C>G intronic variant results from a C to G substitution 4 nucleotides upstream from coding exon 48 in the SZT2 gene. This nucleotide position is not well conserved in available vertebrate species. Using the BDGP and ESEfinder splice site prediction tools, this alteration is not predicted to have any significant effect on this splice acceptor site; however, direct evidence is unavailable. Since supporting evidence is limited at this time, the clinical significance of this alteration remains unclear.

NM_001365999.1(SZT2):c.6793-4C>G

Gene: SZT2 (SZT2 subunit of KICSTOR complex; plus strand). Cytogenetic location: 1p34.2.
Variant type: single nucleotide variant.
Coding change: c.6793-4C>G on transcript NM_001365999.1 (MANE Select); 4 bases into the intron before coding-DNA position 6793, C replaced by G.
Molecular consequence: intron variant.
Genome position (GRCh38, 1-based): chr1:43,439,354, C>G. VCF-style: chr1-43439354-C-G. GRCh37 (hg19) VCF-style: chr1-43905025-C-G.
Other names: c.6622-4C>G (NM_015284.4).
Identifiers: ClinVar variation 703126 (VCV000703126.13), dbSNP rs902637144, ClinGen allele CA735975322.